The following is an entry in ClinVar:

NM_006767.4(LZTR1):c.190G>A (p.Val64Met)

Gene: LZTR1 (leucine zipper like post translational regulator 1; plus strand). Cytogenetic location: 22q11.21.
Variant type: single nucleotide variant.
Coding change: c.190G>A on transcript NM_006767.4 (MANE Select); coding-DNA position 190, G replaced by A.
Protein change: p.Val64Met; replaces valine 64 with methionine.
Molecular consequence: missense variant.
Genome position (GRCh38, 1-based): chr22:20,982,561, G>A. VCF-style: chr22-20982561-G-A. GRCh37 (hg19) VCF-style: chr22-21336850-G-A.
Other names: short protein forms V64M.
Identifiers: ClinVar variation 1782481 (VCV001782481.2), dbSNP rs2518608015, ClinGen allele CA410778160.

ClinVar aggregate classification (germline): Uncertain significance (1 of 4 stars; one submission).

Conditions:
Hereditary cancer-predisposing syndrome. Also called: Neoplastic Syndromes, Hereditary; Tumor predisposition; Hereditary Cancer Syndrome; Hereditary neoplastic syndrome. Identifiers: Orphanet 140162, MedGen C0027672, MeSH D009386, MONDO:0015356.
Cardiovascular phenotype. Identifiers: MedGen CN230736.

Allele frequency attached by ClinVar (database versions not stated): gnomAD exomes below 0.00001.
gnomAD v4.1: 1 of 1,611,970 alleles (0.000062%); highest among the groups gnomAD compares: Non-Finnish European, 0.000085%; no homozygotes.

Submission:

Ambry Genetics
Classification: Uncertain significance for Cardiovascular phenotype; Hereditary cancer-predisposing syndrome. Last evaluated: 2022-07-04. Review status: criteria provided, single submitter. Criteria: Ambry Variant Classification Scheme 2023. Collection method: clinical testing. Allele origin: germline.
Comment: The p.V64M variant (also known as c.190G>A), located in coding exon 1 of the LZTR1 gene, results from a G to A substitution at nucleotide position 190. The valine at codon 64 is replaced by methionine, an amino acid with highly similar properties. This amino acid position is conserved. In addition, the in silico prediction for this alteration is inconclusive. Since supporting evidence is limited at this time, the clinical significance of this alteration remains unclear.